The following is an entry in ClinVar:

NM_012431.3(SEMA3E):c.1016A>G (p.His339Arg)

Gene: SEMA3E (semaphorin 3E; minus strand). Cytogenetic location: 7q21.11.
Variant type: single nucleotide variant.
Coding change: c.1016A>G on transcript NM_012431.3 (MANE Select); coding-DNA position 1016, A replaced by G.
Protein change: p.His339Arg; replaces histidine 339 with arginine.
Molecular consequence: missense variant.
Genome position (GRCh38, 1-based): chr7:83,402,759, T>C on the plus strand (A>G on the coding strand, the complement: SEMA3E is on the minus strand). VCF-style: chr7-83402759-T-C. GRCh37 (hg19) VCF-style: chr7-83032075-T-C.
Other names: c.836A>G, p.His279Arg (NM_001178129.2); short protein forms H279R, H339R.
Identifiers: ClinVar variation 4804622 (VCV004804622.1).

ClinVar aggregate classification (germline): Uncertain significance (1 of 4 stars; one submission).

Conditions:
CHARGE syndrome (CHARGE). Also called: Hittner Hirsch Kreh syndrome; CHARGE ASSOCIATION--COLOBOMA, HEART ANOMALY, CHOANAL ATRESIA, RETARDATION, GENITAL AND EAR ANOMALIES; Coloboma, heart anomaly, choanal atresia, retardation, genital and ear anomalies; CHARGE association; Hall-Hittner syndrome. Identifiers: Orphanet 138, MedGen C0265354, MONDO:0008965.

gnomAD v4.1: 1 of 1,612,574 alleles (0.000062%); no homozygotes.

Submission:

Labcorp Genetics (formerly Invitae), Labcorp
Classification: Uncertain significance for CHARGE syndrome. Last evaluated: 2025-05-22. Review status: criteria provided, single submitter. Criteria: Invitae Variant Classification Sherloc (09022015). Collection method: clinical testing. Allele origin: germline.
Comment: This sequence change replaces histidine, which is basic and polar, with arginine, which is basic and polar, at codon 339 of the SEMA3E protein (p.His339Arg). This variant is not present in population databases (gnomAD no frequency). This variant has not been reported in the literature in individuals affected with SEMA3E-related conditions. Invitae Evidence Modeling of protein sequence and biophysical properties (such as structural, functional, and spatial information, amino acid conservation, physicochemical variation, residue mobility, and thermodynamic stability) indicates that this missense variant is not expected to disrupt SEMA3E protein function with a negative predictive value of 80%. In summary, the available evidence is currently insufficient to determine the role of this variant in disease. Therefore, it has been classified as a Variant of Uncertain Significance.